The following is an entry in ClinVar:

ClinVar aggregate classification (germline): Pathogenic (1 of 4 stars; one submission).

Submission:

Labcorp Genetics (formerly Invitae), Labcorp
Classification: Pathogenic. Last evaluated: 2021-10-12. Review status: criteria provided, single submitter. Criteria: Invitae Variant Classification Sherloc (09022015). Collection method: clinical testing. Allele origin: germline.
Comment: This variant has not been reported in the literature in individuals affected with USH2A-related conditions. This variant is not present in population databases (ExAC no frequency). This sequence change creates a premature translational stop signal (p.Trp4175Leufs*8) in the USH2A gene. It is expected to result in an absent or disrupted protein product. Loss-of-function variants in USH2A are known to be pathogenic (PMID: 10729113, 10909849, 20507924, 25649381). For these reasons, this variant has been classified as Pathogenic.

Literature cited by the submitters: PubMed 10729113; PubMed 10909849; PubMed 20507924; PubMed 25649381.

NM_206933.4(USH2A):c.12523_12532del (p.Trp4175fs)

Gene: USH2A (usherin; minus strand). Cytogenetic location: 1q41.
Variant type: Deletion.
Coding change: c.12523_12532del on transcript NM_206933.4 (MANE Select); coding-DNA positions 12523 to 12532, 10 bases deleted (TGGTCTGAGC; older notation c.12523_12532delTGGTCTGAGC).
Protein change: p.Trp4175fs; shifts the reading frame from tryptophan 4175.
Molecular consequence: frameshift variant.
Genome position (GRCh38, 1-based): chr1:215,675,379-215,675,388, GCTCAGACCA deleted on the plus strand (TGGTCTGAGC on the coding strand, the reverse complement: USH2A is on the minus strand); deleting any 10 consecutive bases within chr1:215,675,379-215,675,394 gives the same sequence; the c. name uses the placement nearest the transcript's 3' end. VCF-style (leftmost placement, unchanged base first): chr1-215675378-GGCTCAGACCA-G. GRCh37 (hg19) VCF-style: chr1-215848720-GGCTCAGACCA-G.
Other names: short protein forms W4175fs.
Identifiers: ClinVar variation 1404874 (VCV001404874.6), dbSNP rs2102666781, ClinGen allele CA2573131593.